The following is an entry in ClinVar:

ClinVar aggregate classification (germline): Uncertain significance (1 of 4 stars; one submission).

Conditions:
Dilated cardiomyopathy 1J (CMD1J). Also called: CARDIOMYOPATHY, DILATED, WITH SENSORINEURAL HEARING LOSS, AUTOSOMAL DOMINANT. Identifiers: Orphanet 217622, MedGen C1854368, MONDO:0011541, OMIM 605362.

Submission:

Labcorp Genetics (formerly Invitae), Labcorp
Classification: Uncertain significance for Dilated cardiomyopathy 1J. Last evaluated: 2025-05-05. Review status: criteria provided, single submitter. Criteria: Invitae Variant Classification Sherloc (09022015). Collection method: clinical testing. Allele origin: germline.
Comment: This sequence change replaces serine, which is neutral and polar, with proline, which is neutral and non-polar, at codon 22 of the EYA4 protein (p.Ser22Pro). This variant is not present in population databases (gnomAD no frequency). This variant has not been reported in the literature in individuals affected with EYA4-related conditions. An algorithm developed to predict the effect of missense changes on protein structure and function outputs the following: PolyPhen-2: "Benign". The proline amino acid residue is found in multiple mammalian species, which suggests that this missense change does not adversely affect protein function. In summary, the available evidence is currently insufficient to determine the role of this variant in disease. Therefore, it has been classified as a Variant of Uncertain Significance.

NM_004100.5(EYA4):c.64T>C (p.Ser22Pro)

Gene: EYA4 (EYA transcriptional coactivator and phosphatase 4; plus strand). Cytogenetic location: 6q23.2.
Variant type: single nucleotide variant.
Coding change: c.64T>C on transcript NM_004100.5 (MANE Select); coding-DNA position 64, T replaced by C.
Protein change: p.Ser22Pro; replaces serine 22 with proline.
Molecular consequence: missense variant.
Genome position (GRCh38, 1-based): chr6:133,382,422, T>C. VCF-style: chr6-133382422-T-C. GRCh37 (hg19) VCF-style: chr6-133703560-T-C.
Other names: c.64T>C, p.Ser22Pro (NM_001301012.2, NM_001301013.2, NM_001370458.1 and 3 more transcripts); short protein forms S22P.
Identifiers: ClinVar variation 4774238 (VCV004774238.1).
Genomic context (GRCh38, chr6:133,382,422, plus strand): 5'-ATGAGAATAACTAGTACTCTTTTCTTACAGGTAAAGAAAACGTGCACAGAATCAGATGTT[T>C]CACAATCTCAGAATTCCAGGTACAGTAAAATAAAGACCAAGACTCCCCTAAGGAGAATTG-3'
Protein context (NP_004091.3, residues 12-32): VKKTCTESDV[Ser22Pro]QSQNSRSMEM